The following is an entry in ClinVar:

ClinVar aggregate classification (germline): Benign. Review status: criteria provided, single submitter (1 of 4 stars). 2 submissions from 1 submitter: Benign (1). 1 of the submissions does not count toward it. Last evaluated 2015-03-03.

Submissions (2):

GeneDx
Classification: Benign. Last evaluated: 2015-03-03. Review status: criteria provided, single submitter. Criteria: GeneDx Variant Classification Process June 2021. Collection method: clinical testing. Allele origin: germline. Affected: yes.

GeneDx
Classification: Benign. Last evaluated: 2013-11-26. Review status: flagged submission. Criteria: GeneDx Variant Classification (06012015). Collection method: clinical testing. Allele origin: germline. Affected: yes. Not counted in ClinVar's aggregate classification.
Comment: The variant is found in INFANT-EPI,EPILEPSY panel(s).
ClinVar note: Reason: This record appears to be redundant with a more recent record from the same submitter.
ClinVar note: Notes: SCV000241430 appears to be redundant with SCV001875414.

NM_172107.3(KCNQ2):c.1302-18_1302-17insTGTCTGCC

Gene: KCNQ2 (potassium voltage-gated channel subfamily Q member 2; minus strand). Cytogenetic location: 20q13.33.
Variant type: Insertion.
Coding change: c.1302-18_1302-17insTGTCTGCC on transcript NM_172107.3; 18 bases into the intron before coding-DNA position 1302 through 17 bases into the intron before coding-DNA position 1302, TGTCTGCC inserted.
Molecular consequence: intron variant (on NM_172107.4).
Genome position: GRCh38 VCF-style: chr20-63415143-C-CGGCAGACA. GRCh37 (hg19) VCF-style: chr20-62046496-C-CGGCAGACA.
Other names: c.1218-18_1218-17insCTGTCTGC (NM_004518.6); c.1248-54_1248-53insCTGTCTGC (NM_172108.5); c.1248-18_1248-17insCTGTCTGC (NM_172106.3); c.1302-18_1302-17insCTGTCTGC (NM_172107.4).
Identifiers: ClinVar variation 205844 (VCV000205844.4), dbSNP rs1555854852, ClinGen allele CA315306.
Genomic context (GRCh38, chr20:63,415,143, plus strand): 5'-CTCGGGGGCTGGAGAAGACACGATCTTTCAAACTGACCTTCTGGCTGCTCCCACGGGAAC[C>CGGCAGACA]GACAGACAGACAGAAAAACAGGGAGAGAAGTCACTCTGCAAAGAACACAGGCCGTGTCTG-3'